The following is an entry in ClinVar:

GRCh37/hg19 Xp22.2(chrX:12910521-13535330)x3

Genes: ATXN3L (ataxin 3 like; minus strand), FAM9C (family with sequence similarity 9 member C; minus strand), TLR8 (toll like receptor 8; plus strand), TMSB4X (thymosin beta 4 X-linked; plus strand). Cytogenetic location: Xp22.2.
Variant type: copy number gain.
Change: copy number 3 of chrX:12,910,521-13,535,330 (624.8 kb, GRCh37 coordinates, 1-based), cytogenetic band Xp22.2.
Identifiers: ClinVar variation 548984 (VCV000548984.3).

ClinVar aggregate classification (germline): Uncertain significance (1 of 4 stars; one submission).

Submission:

Clinical Genomics Laboratory, Laboratory for Precision Diagnostics, University of Washington
Classification: Uncertain significance. Last evaluated: 2017-10-25. Review status: criteria provided, single submitter. Criteria: Clinical Cytogenomics Laboratory Policy on CNV Interpretation. Collection method: clinical testing. Allele origin: unknown. Affected: yes. Observed: 1 variant allele.